The following is an entry in ClinVar:

ClinVar aggregate classification (germline): Uncertain significance (1 of 4 stars; one submission).

Submission:

Labcorp Genetics (formerly Invitae), Labcorp
Classification: Uncertain significance. Last evaluated: 2021-12-05. Review status: criteria provided, single submitter. Criteria: Invitae Variant Classification Sherloc (09022015). Collection method: clinical testing. Allele origin: germline.
Comment: Algorithms developed to predict the effect of missense changes on protein structure and function are either unavailable or do not agree on the potential impact of this missense change (SIFT: "Not Available"; PolyPhen-2: "Benign"; Align-GVGD: "Not Available"). This variant, c.914_915delinsCA, is a complex sequence change that results in the deletion of 1 and insertion of 1 amino acid(s) in the XYLT2 protein (p.Arg305Thr). Information on the frequency of this variant in the gnomAD database is not available, as this variant may be reported differently in the database. This variant has not been reported in the literature in individuals affected with XYLT2-related conditions. In summary, the available evidence is currently insufficient to determine the role of this variant in disease. Therefore, it has been classified as a Variant of Uncertain Significance.

NM_022167.4(XYLT2):c.914_915delinsCA (p.Arg305Thr)

Gene: XYLT2 (xylosyltransferase 2; plus strand). Cytogenetic location: 17q21.33.
Variant type: Indel.
Coding change: c.914_915delinsCA on transcript NM_022167.4 (MANE Select); coding-DNA positions 914 to 915, GG replaced by CA.
Protein change: p.Arg305Thr; replaces arginine 305 with threonine.
Molecular consequence: missense variant.
Genome position (GRCh38, 1-based): chr17:50,354,963-50,354,964, GG replaced by CA. VCF-style: chr17-50354963-GG-CA. GRCh37 (hg19) VCF-style: chr17-48432324-GG-CA.
Other names: short protein forms R305T.
Identifiers: ClinVar variation 2033576 (VCV002033576.4), dbSNP rs2543949422, ClinGen allele CA2580094177.